The following is an entry in ClinVar:

ClinVar aggregate classification (germline): Conflicting classifications of pathogenicity. Review status: criteria provided, conflicting classifications (1 of 4 stars). 3 submissions from 3 submitters: Uncertain significance (2); Benign (1). Last evaluated 2025-09-09.

Conditions:
Familial adenomatous polyposis 2. Also called: FAP type 2; MUTYH Polyposis; COLORECTAL ADENOMATOUS POLYPOSIS, AUTOSOMAL RECESSIVE; ADENOMAS, MULTIPLE COLORECTAL, AUTOSOMAL RECESSIVE; MUTYH-associated polyposis; MUTYH-related attenuated familial adenomatous polyposis. Identifiers: Orphanet 220460, Orphanet 247798, MedGen C3272841, MONDO:0012041, OMIM 608456.
Hereditary cancer-predisposing syndrome. Also called: Tumor predisposition; Hereditary Cancer Syndrome; Hereditary neoplastic syndrome; Neoplastic Syndromes, Hereditary. Identifiers: Orphanet 140162, MedGen C0027672, MeSH D009386, MONDO:0015356.

gnomAD v4.1: 1 of 1,609,986 alleles (0.000062%); no homozygotes.

Submissions (3):

Ambry Genetics
Classification: Benign for Hereditary cancer-predisposing syndrome. Last evaluated: 2025-09-09. Review status: criteria provided, single submitter. Criteria: Ambry Variant Classification Scheme 2023. Collection method: clinical testing. Allele origin: germline.

Color Diagnostics, LLC DBA Color Health
Classification: Uncertain significance for Hereditary cancer-predisposing syndrome. Last evaluated: 2024-03-06. Review status: criteria provided, single submitter. Criteria: ACMG Guidelines, 2015. Collection method: clinical testing. Allele origin: germline.
Comment: This missense variant replaces glutamine with arginine at codon 501 of the MUTYH protein. This variant is also known as c.1460A>G (p.Gln487Leu) based on an alternative transcript (NM_001048171). Computational prediction suggests that this variant may not impact protein structure and function (internally defined REVEL score threshold <= 0.5, PMID: 27666373). Splice site prediction tools suggest that this variant may not impact RNA splicing. To our knowledge, functional studies have not been reported for this variant. This variant has not been reported in individuals affected with hereditary cancer in the literature. This variant has not been identified in the general population by the Genome Aggregation Database (gnomAD). The available evidence is insufficient to determine the role of this variant in disease conclusively. Therefore, this variant is classified as a Variant of Uncertain Significance.

Labcorp Genetics (formerly Invitae), Labcorp
Classification: Uncertain significance for Familial adenomatous polyposis 2. Last evaluated: 2023-02-07. Review status: criteria provided, single submitter. Criteria: Invitae Variant Classification Sherloc (09022015). Collection method: clinical testing. Allele origin: germline.
Comment: This sequence change replaces glutamine, which is neutral and polar, with arginine, which is basic and polar, at codon 501 of the MUTYH protein (p.Gln501Arg). This variant is not present in population databases (gnomAD no frequency). This variant has not been reported in the literature in individuals affected with MUTYH-related conditions. ClinVar contains an entry for this variant (Variation ID: 819395). Algorithms developed to predict the effect of missense changes on protein structure and function output the following: SIFT: "Tolerated"; PolyPhen-2: "Benign"; Align-GVGD: "Class C0". The arginine amino acid residue is found in multiple mammalian species, which suggests that this missense change does not adversely affect protein function. In summary, the available evidence is currently insufficient to determine the role of this variant in disease. Therefore, it has been classified as a Variant of Uncertain Significance.

NM_001048174.2(MUTYH):c.1418A>G (p.Gln473Arg)

Gene: MUTYH (mutY DNA glycosylase; minus strand). Cytogenetic location: 1p34.1.
Variant type: single nucleotide variant.
Coding change: c.1418A>G on transcript NM_001048174.2 (MANE Select); coding-DNA position 1418, A replaced by G.
Protein change: p.Gln473Arg; replaces glutamine 473 with arginine.
Molecular consequence: missense variant. On other transcripts: non-coding transcript variant (2).
Genome position (GRCh38, 1-based): chr1:45,330,532, T>C on the plus strand (A>G on the coding strand, the complement: MUTYH is on the minus strand). VCF-style: chr1-45330532-T-C. GRCh37 (hg19) VCF-style: chr1-45796204-T-C.
Other names: c.1418A>G, p.Gln473Arg (NM_001048171.2, NM_001048173.2, NM_001293195.2); c.1421A>G, p.Gln474Arg (NM_001048172.2); c.1502A>G, p.Gln501Arg (NM_001128425.2); c.1463A>G, p.Gln488Arg (NM_001293190.2); c.1451A>G, p.Gln484Arg (NM_001293191.2); c.1142A>G, p.Gln381Arg (NM_001293192.2, NM_001293196.2); c.1073A>G, p.Gln358Arg (NM_001350650.2, NM_001350651.2); c.1493A>G, p.Gln498Arg (NM_012222.3); short protein forms Q498R, Q358R, Q381R, Q473R, Q484R, Q474R, Q488R, Q501R.
Identifiers: ClinVar variation 819395 (VCV000819395.14), dbSNP rs1454804175, ClinGen allele CA340132342.